The following is an entry in ClinVar:

ClinVar aggregate classification (germline): Benign/Likely benign. Review status: criteria provided, multiple submitters, no conflicts (2 of 4 stars). 7 submissions from 7 submitters: Benign (5); Likely benign (1). 1 of the submissions does not count toward it. Last evaluated 2026-02-04.

Conditions:
Inborn genetic diseases. Identifiers: MedGen C0950123, MeSH D030342.
Intellectual developmental disorder, autosomal recessive 3. Also called: Intellectual disability, autosomal recessive 3. Identifiers: Orphanet 88616, MedGen C1838023, MONDO:0012037, OMIM 608443.

Allele frequency attached by ClinVar (database versions not stated): ESP Exome Variant Server 0.09594; TOPMed 0.09918; gnomAD 0.10133 and 0.10582; 1000 Genomes Project 30x 0.13007; 1000 Genomes Project 0.13319.
gnomAD v4.1: 209,733 of 1,611,676 alleles (13%); highest among the groups gnomAD compares: East Asian, 25%; 14,650 homozygotes.

Submissions (7):

Labcorp Genetics (formerly Invitae), Labcorp
Classification: Benign. Last evaluated: 2026-02-04. Review status: criteria provided, single submitter. Criteria: Invitae Variant Classification Sherloc (09022015). Collection method: clinical testing. Allele origin: germline.

Blueprint Genetics
Classification: Likely benign. Last evaluated: 2024-11-28. Review status: criteria provided, single submitter. Criteria: ACMG Guidelines, 2015. Collection method: clinical testing. Allele origin: germline.

Genome-Nilou Lab
Classification: Benign for Intellectual developmental disorder, autosomal recessive 3. Last evaluated: 2021-07-14. Review status: criteria provided, single submitter. Criteria: ACMG Guidelines, 2015. Collection method: clinical testing. Allele origin: germline. Affected: no.

GeneDx
Classification: Benign. Last evaluated: 2019-03-22. Review status: criteria provided, single submitter. Criteria: GeneDx Variant Classification Process June 2021. Collection method: clinical testing. Allele origin: germline. Affected: yes.

Ambry Genetics
Classification: Benign for Inborn genetic diseases. Last evaluated: 2016-03-11. Review status: criteria provided, single submitter. Criteria: Ambry Variant Classification Scheme 2023. Collection method: clinical testing. Allele origin: germline.

Breakthrough Genomics
Classification: Benign. Review status: criteria provided, single submitter. Criteria: ACMG Guidelines, 2015. Collection method: not provided. Allele origin: germline. Inheritance: Autosomal recessive inheritance. Affected: yes.

Genetic Services Laboratory, University of Chicago
Classification: Likely benign for AllHighlyPenetrant. Review status: no assertion criteria provided. Collection method: clinical testing. Allele origin: germline. Inheritance: Autosomal recessive inheritance. Not counted in ClinVar's aggregate classification.
Comment: Likely benign based on allele frequency in 1000 Genomes Project or ESP global frequency and its presence in a patient with a rare or unrelated disease phenotype. NOT Sanger confirmed.

NM_017721.5(CC2D1A):c.2716G>A (p.Ala906Thr)

Gene: CC2D1A (coiled-coil and C2 domain containing 1A; plus strand). Cytogenetic location: 19p13.12.
Variant type: single nucleotide variant.
Coding change: c.2716G>A on transcript NM_017721.5 (MANE Select); coding-DNA position 2716, G replaced by A.
Protein change: p.Ala906Thr; replaces alanine 906 with threonine.
Molecular consequence: missense variant.
Genome position (GRCh38, 1-based): chr19:13,930,083, G>A. VCF-style: chr19-13930083-G-A. GRCh37 (hg19) VCF-style: chr19-14040896-G-A.
Other names: short protein forms A906T.
Identifiers: ClinVar variation 128622 (VCV000128622.19), dbSNP rs11669628, ClinGen allele CA152200.